The following is an entry in ClinVar:

ClinVar aggregate classification (germline): Likely benign. Review status: criteria provided, single submitter (1 of 4 stars). 2 submissions from 2 submitters: Likely benign (1). 1 of the submissions does not count toward it. Last evaluated 2018-07-02.

Conditions:
CALR-related disorder. Also called: CALR-related condition.

Allele frequency attached by ClinVar (database versions not stated): ESP Exome Variant Server 0.00015; 1000 Genomes Project 30x 0.00016; 1000 Genomes Project 0.00020; ExAC 0.00025; gnomAD exomes 0.00025; gnomAD 0.00041 and 0.00042; TOPMed 0.00046.
gnomAD v4.1: 998 of 1,614,196 alleles (0.062%); highest among the groups gnomAD compares: Non-Finnish European, 0.081%; no homozygotes.

Submissions (2):

Labcorp Genetics (formerly Invitae), Labcorp
Classification: Likely benign. Last evaluated: 2018-07-02. Review status: criteria provided, single submitter. Criteria: Invitae Variant Classification Sherloc (09022015). Collection method: clinical testing. Allele origin: germline.

PreventionGenetics, part of Exact Sciences
Classification: Likely benign for CALR-related condition. Last evaluated: 2019-07-01. Review status: no assertion criteria provided. Collection method: clinical testing. Allele origin: germline. Not counted in ClinVar's aggregate classification.
Comment: This variant is classified as likely benign based on ACMG/AMP sequence variant interpretation guidelines (Richards et al. 2015 PMID: 25741868, with internal and published modifications).

NM_004343.4(CALR):c.507A>T (p.Thr169=)

Genes: CALR (calreticulin; plus strand), LOC126862861 (MED14-independent group 3 enhancer GRCh37_chr19:13050707-13051906; plus strand). Cytogenetic location: 19p13.13.
Variant type: single nucleotide variant.
Coding change: c.507A>T on transcript NM_004343.4 (MANE Select); coding-DNA position 507, A replaced by T.
Protein change: p.Thr169=; no amino-acid change (threonine 169 retained).
Molecular consequence: synonymous variant.
Genome position (GRCh38, 1-based): chr19:12,940,257, A>T. VCF-style: chr19-12940257-A-T. GRCh37 (hg19) VCF-style: chr19-13051071-A-T.
Identifiers: ClinVar variation 741199 (VCV000741199.5), dbSNP rs187996595, ClinGen allele CA9235809.